The following is an entry in ClinVar:

ClinVar aggregate classification (germline): Pathogenic (1 of 4 stars; one submission).

Conditions:
alpha Thalassemia. Also called: Alpha thalassemia spectrum. Identifiers: Orphanet 846, MedGen C0002312, MONDO:0011399, OMIM 604131.

Submission:

Natera, Inc.
Classification: Pathogenic for Alpha thalassemia. Last evaluated: 2025-12-30. Review status: criteria provided, single submitter. Criteria: Natera Variant Classification Schema (03/2026). Collection method: clinical testing. Allele origin: germline.
Comment: The c.96-40_114del variant in HBA2 is a frameshift variant predicted to shift the reading frame and introduce a stop codon. This variant is expected to result in nonsense mediated decay, truncation, or a dysfunctional protein product. This variant is rare in the general population with a frequency below the threshold expected for the associated phenotype(s). Another variant at this same site results in an alteration predicted to cause a similar molecular effect has been observed in individual(s) with the associated phenotype. Given the available evidence, this variant is classified as Pathogenic.

NM_000517.6(HBA2):c.96-40_114del

Genes: HBA2 (hemoglobin subunit alpha 2; plus strand), LOC106804612 (hemoglobin subunit alpha 2 recombination region; plus strand). Cytogenetic location: 16p13.3.
Variant type: Deletion.
Coding change: c.96-40_114del on transcript NM_000517.6 (MANE Select); 40 bases into the intron before coding-DNA position 96 through coding-DNA position 114, 59 bases deleted.
Molecular consequence: splice acceptor variant.
Genome position (GRCh38, 1-based): chr16:173,085-173,143, 59 bases deleted. GRCh37 (hg19): chr16:223,084-223,142.
Identifiers: ClinVar variation 4818689 (VCV004818689.1).